The following is an entry in ClinVar:

ClinVar aggregate classification (germline): Uncertain significance. Review status: criteria provided, multiple submitters, no conflicts (2 of 4 stars). 4 submissions from 4 submitters: Uncertain significance (2). 2 of the submissions do not count toward it. Last evaluated 2026-08-15.

Conditions:
NEB-related disorder. Also called: NEB-related condition; NEB-Related Disorders.
Inborn genetic diseases. Identifiers: MedGen C0950123, MeSH D030342.
Nemaline myopathy 2 (NEM2). Also called: Nemaline myopathy 2, autosomal recessive. Identifiers: MedGen C1850569, MONDO:0009725, OMIM 256030.

Allele frequency attached by ClinVar (database versions not stated): gnomAD 0.00002; TOPMed 0.00005.
gnomAD v4.1: 10 of 1,613,854 alleles (0.00062%); highest among the groups gnomAD compares: African/African-American, 0.008%; no homozygotes.

Submissions (4):

PreventionGenetics, part of Exact Sciences
Classification: Uncertain significance for NEB-related condition. Last evaluated: 2026-08-15. Review status: criteria provided, single submitter. Criteria: ACMG Guidelines, 2015. Collection method: clinical testing. Allele origin: germline.
Comment: The NEB c.7761G>C variant is predicted to result in the amino acid substitution p.Arg2587Ser. To our knowledge, this variant has not been reported in the literature or in a large population database (gnomAD), indicating this variant is rare. At this time, the clinical significance of this variant is uncertain due to the absence of conclusive functional and genetic evidence.

Ambry Genetics
Classification: Uncertain significance for Inborn genetic diseases. Last evaluated: 2013-12-03. Review status: criteria provided, single submitter. Criteria: Ambry Autosomal Dominant and X-Linked criteria (10/2015). Collection method: clinical testing. Allele origin: germline. Observed: 1 variant allele.
Comment: There is insufficient or conflicting evidence for classification of this alteration.

Natera, Inc.
Classification: Uncertain significance for Nemaline myopathy type 2. Last evaluated: 2020-09-28. Review status: no assertion criteria provided. Collection method: clinical testing. Allele origin: germline. Not counted in ClinVar's aggregate classification.

Counsyl
Classification: Uncertain significance for Nemaline myopathy 2. Last evaluated: 2018-05-16. Review status: no assertion criteria provided. Collection method: clinical testing. Allele origin: unknown. Not counted in ClinVar's aggregate classification.

NM_001164508.2(NEB):c.7761G>C (p.Arg2587Ser)

Gene: NEB (nebulin; minus strand). Cytogenetic location: 2q23.3.
Variant type: single nucleotide variant.
Coding change: c.7761G>C on transcript NM_001164508.2 (MANE Select); coding-DNA position 7761, G replaced by C.
Protein change: p.Arg2587Ser; replaces arginine 2587 with serine.
Molecular consequence: missense variant.
Genome position (GRCh38, 1-based): chr2:151,644,013, C>G on the plus strand (G>C on the coding strand, the complement: NEB is on the minus strand). VCF-style: chr2-151644013-C-G. GRCh37 (hg19) VCF-style: chr2-152500527-C-G.
Other names: c.7761G>C, p.Arg2587Ser (NM_001164507.2, NM_001271208.2, NM_004543.5); short protein forms R2587S.
Identifiers: ClinVar variation 225084 (VCV000225084.9), dbSNP rs869312958, ClinGen allele CA358123.